The following is an entry in ClinVar:

NM_001040716.2(PC):c.2965_2966insA (p.Ala989fs)

Gene: PC (pyruvate carboxylase; minus strand). Cytogenetic location: 11q13.2.
Variant type: Insertion.
Coding change: c.2965_2966insA on transcript NM_001040716.2 (MANE Select); coding-DNA positions 2965 to 2966, A inserted.
Protein change: p.Ala989fs; shifts the reading frame from alanine 989.
Molecular consequence: frameshift variant.
Genome position: GRCh38 VCF-style: chr11-66849792-G-GT. GRCh37 (hg19) VCF-style: chr11-66617263-G-GT.
Other names: c.2965_2966insA, p.Ala989fs (NM_000920.4, NM_001439352.1, NM_001439353.1 and 5 more transcripts); short protein forms A989fs.
Identifiers: ClinVar variation 5014401 (VCV005014401.1).
Genomic context (GRCh38, chr11:66,849,792, plus strand): 5'-GAGAGCACATCTTCCGGCGTCACCTCCTCCCCATGCCGGTCTACCAGCTCCTTCTCCAGT[G>GT]CCTGCAGATCCAGGGGAGGGAGGGAGGCTCCAGGCCGCCCCTCCACCCTTGGCAGGTCCT-3'

ClinVar aggregate classification (germline): Pathogenic (1 of 4 stars; one submission).

Conditions:
Pyruvate carboxylase deficiency. Also called: ATAXIA WITH LACTIC ACIDOSIS II; LEIGH NECROTIZING ENCEPHALOPATHY DUE TO PYRUVATE CARBOXYLASE DEFICIENCY; LEIGH SYNDROME DUE TO PYRUVATE CARBOXYLASE DEFICIENCY; PC DEFICIENCY; Pyruvate Carboxylase Deficiency Disease. Identifiers: Orphanet 3008, MedGen C0034341, MONDO:0009949, OMIM 266150.

Submission:

Myriad Genetics, Inc.
Classification: Pathogenic for Pyruvate carboxylase deficiency. Last evaluated: 2025-05-07. Review status: criteria provided, single submitter. Criteria: Myriad Autosomal Dominant, Autosomal Recessive and X-Linked Classification Criteria (2023). Collection method: clinical testing. Allele origin: unknown.
Comment: NM_000920.3(PC):c.2965_2966insA(A989Dfs*44) is expected to be pathogenic in the context of pyruvate carboxylase deficiency. This variant is predicted to lead to an abnormal or absent protein product due to the creation of a premature termination codon in PC, a gene where loss-of-function variants are known to be pathogenic. Please note: this variant was assessed in the context of healthy population screening.